The following is an entry in ClinVar:

NM_000059.4(BRCA2):c.7992del (p.Ile2664fs)

Gene: BRCA2 (BRCA2 DNA repair associated; plus strand). Cytogenetic location: 13q13.1.
Variant type: Deletion.
Coding change: c.7992del on transcript NM_000059.4 (MANE Select); coding-DNA position 7992, one base deleted (T; older notation c.7992delT).
Protein change: p.Ile2664fs; shifts the reading frame from isoleucine 2664.
Molecular consequence: frameshift variant. On other transcripts: non-coding transcript variant (1).
Genome position (GRCh38, 1-based): chr13:32,363,194, T deleted; the last of 2 consecutive T bases (chr13:32,363,193-32,363,194); deleting either gives the same sequence. VCF-style (leftmost placement, unchanged base first): chr13-32363192-AT-A. GRCh37 (hg19) VCF-style: chr13-32937329-AT-A.
Other names: c.7896del, p.Ile2632fs (NM_001406719.1); c.7992del, p.Ile2664fs (NM_001406720.1, NM_001432077.1); c.3060del, p.Ile1020fs (NM_001406721.1); c.1575del, p.Ile525fs (NM_001406722.1); short protein forms I1020fs, I2632fs, I2664fs, I525fs.
Identifiers: ClinVar variation 3482088 (VCV003482088.1).

ClinVar aggregate classification (germline): Pathogenic (1 of 4 stars; one submission).

Conditions:
Hereditary cancer-predisposing syndrome. Also called: Tumor predisposition; Neoplastic Syndromes, Hereditary; Hereditary Cancer Syndrome; Hereditary neoplastic syndrome. Identifiers: Orphanet 140162, MedGen C0027672, MeSH D009386, MONDO:0015356.

Submission:

Ambry Genetics
Classification: Pathogenic for Hereditary cancer-predisposing syndrome. Last evaluated: 2024-09-27. Review status: criteria provided, single submitter. Criteria: Ambry Variant Classification Scheme 2023. Collection method: clinical testing. Allele origin: germline.
Comment: The c.7992delT pathogenic mutation, located in coding exon 17 of the BRCA2 gene, results from a deletion of one nucleotide at nucleotide position 7992, causing a translational frameshift with a predicted alternate stop codon (p.I2664Mfs*9). This variant is considered to be rare based on population cohorts in the Genome Aggregation Database (gnomAD). This alteration is expected to result in loss of function by premature protein truncation or nonsense-mediated mRNA decay. As such, this alteration is interpreted as a disease-causing mutation.